The following is an entry in ClinVar:

NM_003873.7(NRP1):c.2040G>A (p.Thr680=)

Gene: NRP1 (neuropilin 1; minus strand). Cytogenetic location: 10p11.22.
Variant type: single nucleotide variant.
Coding change: c.2040G>A on transcript NM_003873.7 (MANE Select); coding-DNA position 2040, G replaced by A.
Protein change: p.Thr680=; no amino-acid change (threonine 680 retained).
Molecular consequence: synonymous variant. On other transcripts: non-coding transcript variant (1).
Genome position (GRCh38, 1-based): chr10:33,192,303, C>T on the plus strand (G>A on the coding strand, the complement: NRP1 is on the minus strand). VCF-style: chr10-33192303-C-T. GRCh37 (hg19) VCF-style: chr10-33481231-C-T.
Other names: c.2019G>A, p.Thr673= (NM_001244972.2, NM_001244973.2); c.2040G>A, p.Thr680= (NM_001330068.2).
Identifiers: ClinVar variation 3051571 (VCV003051571.2), dbSNP rs143166082, ClinGen allele CA5466286.

ClinVar aggregate classification (germline): Likely benign (0 of 4 stars; one submission).

Conditions:
NRP1-related disorder. Also called: NRP1-related condition.

Allele frequency attached by ClinVar (database versions not stated): ExAC 0.00009; TOPMed 0.00023; gnomAD 0.00028; ESP Exome Variant Server 0.00054.
gnomAD v4.1: 76 of 1,613,588 alleles (0.0047%); highest among the groups gnomAD compares: African/African-American, 0.092%; no homozygotes.

Submission:

PreventionGenetics, part of Exact Sciences
Classification: Likely benign for NRP1-related condition. Last evaluated: 2021-11-10. Review status: no assertion criteria provided. Collection method: clinical testing. Allele origin: germline.
Comment: This variant is classified as likely benign based on ACMG/AMP sequence variant interpretation guidelines (Richards et al. 2015 PMID: 25741868, with internal and published modifications).